The following is an entry in ClinVar:

ClinVar aggregate classification (germline): Benign. Review status: criteria provided, multiple submitters, no conflicts (2 of 4 stars). 2 submissions from 2 submitters: Benign (2). Last evaluated 2018-01-13.

Conditions:
Collagen 6-related myopathy. Identifiers: MedGen CN117976, MONDO:0100225.

Allele frequency attached by ClinVar (database versions not stated): gnomAD 0.00211 and 0.00222; TOPMed 0.00232; gnomAD exomes 0.00298; 1000 Genomes Project 30x 0.00344; 1000 Genomes Project 0.00379.
gnomAD v4.1: 373 of 163,878 alleles (0.23%); highest among the groups gnomAD compares: East Asian, 2.2%; 1 homozygote.

Submissions (2):

Illumina Laboratory Services, Illumina
Classification: Benign for Collagen VI-related myopathy. Last evaluated: 2018-01-13. Review status: criteria provided, single submitter. Criteria: ICSL Variant Classification Criteria 13 December 2019. Collection method: clinical testing. Allele origin: germline.
Comment: This variant was observed in the ICSL laboratory as part of a predisposition screen in an ostensibly healthy population. It had not been previously curated by ICSL or reported in the Human Gene Mutation Database (HGMD: prior to June 1st, 2018), and was therefore a candidate for classification through an automated scoring system. Utilizing variant allele frequency, disease prevalence and penetrance estimates, and inheritance mode, an automated score was calculated to assess if this variant is too frequent to cause the disease. Based on the score and internal cut-off values, a variant classified as benign is not then subjected to further curation. The score for this variant resulted in a classification of benign for this disease.

Breakthrough Genomics
Classification: Benign. Review status: criteria provided, single submitter. Criteria: ACMG Guidelines, 2015. Collection method: not provided. Allele origin: germline. Inheritance: Autosomal recessive inheritance. Affected: yes.

NM_001848.3(COL6A1):c.*887C>T

Gene: COL6A1 (collagen type VI alpha 1 chain; plus strand). Cytogenetic location: 21q22.3.
Variant type: single nucleotide variant.
Coding change: c.*887C>T on transcript NM_001848.3 (MANE Select); 887 bases downstream of the stop codon, C replaced by T.
Molecular consequence: 3 prime UTR variant.
Genome position (GRCh38, 1-based): chr21:46,004,900, C>T. VCF-style: chr21-46004900-C-T. GRCh37 (hg19) VCF-style: chr21-47424814-C-T.
Identifiers: ClinVar variation 340356 (VCV000340356.6), dbSNP rs142905348, ClinGen allele CA10650700.